The following is an entry in ClinVar:

NM_003470.3(USP7):c.2454T>G (p.Asn818Lys)

Gene: USP7 (ubiquitin specific peptidase 7; minus strand). Cytogenetic location: 16p13.2.
Variant type: single nucleotide variant.
Coding change: c.2454T>G on transcript NM_003470.3 (MANE Select); coding-DNA position 2454, T replaced by G.
Protein change: p.Asn818Lys; replaces asparagine 818 with lysine.
Molecular consequence: missense variant. On other transcripts: non-coding transcript variant (1).
Genome position (GRCh38, 1-based): chr16:8,899,613, A>C on the plus strand (T>G on the coding strand, the complement: USP7 is on the minus strand). VCF-style: chr16-8899613-A-C. GRCh37 (hg19) VCF-style: chr16-8993470-A-C.
Other names: c.2406T>G, p.Asn802Lys (NM_001286457.2); c.2157T>G, p.Asn719Lys (NM_001286458.2); c.2280T>G, p.Asn760Lys (NM_001321858.2); short protein forms N802K, N719K, N818K, N760K.
Identifiers: ClinVar variation 3663052 (VCV003663052.2).

ClinVar aggregate classification (germline): Uncertain significance (1 of 4 stars; one submission).

Submission:

Labcorp Genetics (formerly Invitae), Labcorp
Classification: Uncertain significance. Last evaluated: 2024-10-15. Review status: criteria provided, single submitter. Criteria: Invitae Variant Classification Sherloc (09022015). Collection method: clinical testing. Allele origin: germline.
Comment: This sequence change replaces asparagine, which is neutral and polar, with lysine, which is basic and polar, at codon 818 of the USP7 protein (p.Asn818Lys). This variant is not present in population databases (gnomAD no frequency). This variant has not been reported in the literature in individuals affected with USP7-related conditions. An algorithm developed to predict the effect of missense changes on protein structure and function (PolyPhen-2) suggests that this variant is likely to be tolerated. In summary, the available evidence is currently insufficient to determine the role of this variant in disease. Therefore, it has been classified as a Variant of Uncertain Significance.